The following is an entry in ClinVar:

ClinVar aggregate classification (germline): Uncertain significance (1 of 4 stars; one submission).

Submission:

Labcorp Genetics (formerly Invitae), Labcorp
Classification: Uncertain significance. Last evaluated: 2023-07-17. Review status: criteria provided, single submitter. Criteria: Invitae Variant Classification Sherloc (09022015). Collection method: clinical testing. Allele origin: germline.
Comment: In summary, the available evidence is currently insufficient to determine the role of this variant in disease. Therefore, it has been classified as a Variant of Uncertain Significance. Advanced modeling of protein sequence and biophysical properties (such as structural, functional, and spatial information, amino acid conservation, physicochemical variation, residue mobility, and thermodynamic stability) performed at Invitae indicates that this missense variant is not expected to disrupt GUCY2C protein function. This variant has not been reported in the literature in individuals affected with GUCY2C-related conditions. This variant is not present in population databases (gnomAD no frequency). This sequence change replaces glutamic acid, which is acidic and polar, with lysine, which is basic and polar, at codon 899 of the GUCY2C protein (p.Glu899Lys).

NM_004963.4(GUCY2C):c.2695G>A (p.Glu899Lys)

Gene: GUCY2C (guanylate cyclase 2C; minus strand). Cytogenetic location: 12p12.3.
Variant type: single nucleotide variant.
Coding change: c.2695G>A on transcript NM_004963.4 (MANE Select); coding-DNA position 2695, G replaced by A.
Protein change: p.Glu899Lys; replaces glutamic acid 899 with lysine.
Molecular consequence: missense variant.
Genome position (GRCh38, 1-based): chr12:14,621,123, C>T on the plus strand (G>A on the coding strand, the complement: GUCY2C is on the minus strand). VCF-style: chr12-14621123-C-T. GRCh37 (hg19) VCF-style: chr12-14774057-C-T.
Other names: short protein forms E899K.
Identifiers: ClinVar variation 2744138 (VCV002744138.3), dbSNP rs2497613483, ClinGen allele CA383994368.